The following is an entry in ClinVar:

ClinVar aggregate classification (germline): Uncertain significance. Review status: criteria provided, multiple submitters, no conflicts (2 of 4 stars). 2 submissions from 2 submitters: Uncertain significance (2). Last evaluated 2025-05-26.

Conditions:
Inborn genetic diseases. Identifiers: MedGen C0950123, MeSH D030342.
Nephronophthisis. Also called: Juvenile Nephronophthisis. Identifiers: Orphanet 655, MedGen C0687120, MONDO:0019005, HP:0000090.

Allele frequency attached by ClinVar (database versions not stated): TOPMed below 0.00001; gnomAD exomes below 0.00001; gnomAD 0.00001.

Submissions (2):

Ambry Genetics
Classification: Uncertain significance for Inborn genetic diseases. Last evaluated: 2025-05-26. Review status: criteria provided, single submitter. Criteria: Ambry Variant Classification Scheme 2023. Collection method: clinical testing. Allele origin: germline.

Labcorp Genetics (formerly Invitae), Labcorp
Classification: Uncertain significance for Nephronophthisis. Last evaluated: 2020-04-09. Review status: criteria provided, single submitter. Criteria: Invitae Variant Classification Sherloc (09022015). Collection method: clinical testing. Allele origin: germline.
Comment: In summary, the available evidence is currently insufficient to determine the role of this variant in disease. Therefore, it has been classified as a Variant of Uncertain Significance. Algorithms developed to predict the effect of missense changes on protein structure and function are either unavailable or do not agree on the potential impact of this missense change (SIFT: "Deleterious"; PolyPhen-2: "Benign"; Align-GVGD: "Class C0"). This variant has not been reported in the literature in individuals with NPHP3-related conditions. This variant is not present in population databases (ExAC no frequency). This sequence change replaces methionine with valine at codon 112 of the NPHP3 protein (p.Met112Val). The methionine residue is moderately conserved and there is a small physicochemical difference between methionine and valine.

NM_153240.5(NPHP3):c.334A>G (p.Met112Val)

Genes: NPHP3-AS1 (NPHP3 antisense RNA 1; plus strand), NPHP3 (nephrocystin 3; minus strand), NPHP3-ACAD11 (NPHP3-ACAD11 readthrough (NMD candidate); minus strand). Cytogenetic location: 3q22.1.
Variant type: single nucleotide variant.
Coding change: c.334A>G on transcript NM_153240.5 (MANE Select); coding-DNA position 334, A replaced by G.
Protein change: p.Met112Val; replaces methionine 112 with valine.
Molecular consequence: missense variant. On other transcripts: non-coding transcript variant (3).
Genome position (GRCh38, 1-based): chr3:132,722,022, T>C on the plus strand (A>G on the coding strand, the complement: NPHP3 is on the minus strand). VCF-style: chr3-132722022-T-C. GRCh37 (hg19) VCF-style: chr3-132440866-T-C.
Other names: c.334A>G (NM_153240.4); short protein forms M112V.
Identifiers: ClinVar variation 1011543 (VCV001011543.9), dbSNP rs1465252607, ClinGen allele CA354588926.